The following is an entry in ClinVar:

NM_004004.6(GJB2):c.176G>C (p.Gly59Ala)

Gene: GJB2 (gap junction protein beta 2; minus strand). Cytogenetic location: 13q12.11.
Variant type: single nucleotide variant.
Coding change: c.176G>C on transcript NM_004004.6 (MANE Select); coding-DNA position 176, G replaced by C.
Protein change: p.Gly59Ala; replaces glycine 59 with alanine.
Molecular consequence: missense variant.
Genome position (GRCh38, 1-based): chr13:20,189,406, C>G on the plus strand (G>C on the coding strand, the complement: GJB2 is on the minus strand). VCF-style: chr13-20189406-C-G. GRCh37 (hg19) VCF-style: chr13-20763545-C-G.
Other names: c.176G>C (NM_004004.5); short protein forms G59A.
Identifiers: ClinVar variation 17015 (VCV000017015.2), dbSNP rs104894404, ClinGen allele CA127026.
Genomic context (GRCh38, chr13:20,189,406, plus strand): 5'-AGGGCCCATAGCCGGATGTGGGAGATGGGGAAGTAGTGATCGTAGCACACGTTCTTGCAG[C>G]CTGGCTGCAGGGTGTTGCAGACAAAGTCGGCCTGCTCATCTCCCCACACCTCCTTTGCAG-3'
Protein context (NP_003995.2, residues 49-69): ADFVCNTLQP[Gly59Ala]CKNVCYDHYF

ClinVar aggregate classification (germline): Likely pathogenic. Review status: criteria provided, single submitter (1 of 4 stars). 2 submissions from 2 submitters: Likely pathogenic (1). 1 of the submissions does not count toward it. Last evaluated 2025-07-16.

Conditions:
Autosomal recessive nonsyndromic hearing loss 1A (DFNB1A). Also called: Deafness, autosomal recessive 1A; Nonsyndromic Hearing Loss and Deafness, DFNB1; GJB2-Related Autosomal Recessive Nonsyndromic Hearing Loss; GJB6-Related DFNB 1 Nonsyndromic Hearing Loss and Deafness; Connexin 26 deafness; Deafness nonsyndromic, Connexin 26 linked. Identifiers: Orphanet 90636, MedGen C2673759, MONDO:0009076, OMIM 220290.
Palmoplantar keratoderma-deafness syndrome. Also called: Keratoderma palmoplantar, with deafness; Palmoplantar keratoderma and sensorineural deafness; Hereditary palmoplantar keratoderma with deafness (subtype); Focal palmoplantar keratoderma with sensorineural deafness (subtype); Diffuse palmoplantar keratoderma with deafness (subtype). Identifiers: Orphanet 2202, MedGen C1835672, MONDO:0007852, OMIM 148350.

Allele frequency attached by ClinVar (database versions not stated): gnomAD exomes below 0.00001.

Submissions (2):

Natera, Inc.
Classification: Likely pathogenic for Autosomal recessive deafness type 1A. Last evaluated: 2025-07-16. Review status: criteria provided, single submitter. Criteria: Natera Variant Classification Schema (03/2026). Collection method: clinical testing. Allele origin: germline.
Comment: The c.176G>C variant in GJB2 is a missense variant predicted to cause substitution of glycine to alanine at amino acid 59. This variant is rare in the general population with a frequency below the threshold expected for the associated phenotype(s). This variant has been observed in affected individual(s) with monoallelic occurrence (heterozygous/hemizygous) (PMID: 10633135, 32808299, 22007731). Additionally, this variant has been observed to segregate in affected family members (PMID: 10633135). A different variant at the same position has been determined to be Pathogenic or Likely Pathogenic. Computational prediction algorithms indicate this variant is likely to affect gene or protein function. Given the available evidence, this variant is classified as Likely Pathogenic.

OMIM
Classification: Pathogenic for KERATODERMA, PALMOPLANTAR, WITH DEAFNESS. Last evaluated: 2000-01-01. Review status: no assertion criteria provided. Collection method: literature only. Allele origin: germline. Not counted in ClinVar's aggregate classification.

Literature cited by the submitters: PubMed 10633135 (cited by Natera, Inc. and OMIM); PubMed 32808299 (cited by Natera, Inc.); PubMed 22007731 (cited by Natera, Inc.).